The following is an entry in ClinVar:

ClinVar aggregate classification (germline): Uncertain significance. Review status: criteria provided, multiple submitters, no conflicts (2 of 4 stars). 2 submissions from 2 submitters: Uncertain significance (2). Last evaluated 2024-12-10.

Conditions:
Hereditary cancer-predisposing syndrome. Also called: Hereditary neoplastic syndrome; Neoplastic Syndromes, Hereditary; Tumor predisposition; Hereditary Cancer Syndrome. Identifiers: Orphanet 140162, MedGen C0027672, MeSH D009386, MONDO:0015356.
Gorlin syndrome. Also called: Nevoid Basal Cell Carcinoma Syndrome; Basal cell nevus syndrome. Identifiers: Orphanet 377, MedGen C0004779, MONDO:0007187.

Submissions (2):

Labcorp Genetics (formerly Invitae), Labcorp
Classification: Uncertain significance for Gorlin syndrome. Last evaluated: 2024-12-10. Review status: criteria provided, single submitter. Criteria: Invitae Variant Classification Sherloc (09022015). Collection method: clinical testing. Allele origin: germline.
Comment: This sequence change replaces phenylalanine, which is neutral and non-polar, with leucine, which is neutral and non-polar, at codon 109 of the PTCH1 protein (p.Phe109Leu). This variant is not present in population databases (gnomAD no frequency). This variant has not been reported in the literature in individuals affected with PTCH1-related conditions. ClinVar contains an entry for this variant (Variation ID: 1022252). Invitae Evidence Modeling of protein sequence and biophysical properties (such as structural, functional, and spatial information, amino acid conservation, physicochemical variation, residue mobility, and thermodynamic stability) indicates that this missense variant is not expected to disrupt PTCH1 protein function with a negative predictive value of 95%. In summary, the available evidence is currently insufficient to determine the role of this variant in disease. Therefore, it has been classified as a Variant of Uncertain Significance.

Ambry Genetics
Classification: Uncertain significance for Hereditary cancer-predisposing syndrome. Last evaluated: 2022-02-27. Review status: criteria provided, single submitter. Criteria: Ambry Variant Classification Scheme 2023. Collection method: clinical testing. Allele origin: germline.
Comment: The p.F109L variant (also known as c.325T>C), located in coding exon 2 of the PTCH1 gene, results from a T to C substitution at nucleotide position 325. The phenylalanine at codon 109 is replaced by leucine, an amino acid with highly similar properties. This amino acid position is conserved. In addition, this alteration is predicted to be deleterious by in silico analysis. Since supporting evidence is limited at this time, the clinical significance of this alteration remains unclear.

NM_000264.5(PTCH1):c.325T>C (p.Phe109Leu)

Gene: PTCH1 (patched 1; minus strand). Cytogenetic location: 9q22.32.
Variant type: single nucleotide variant.
Coding change: c.325T>C on transcript NM_000264.5 (MANE Select); coding-DNA position 325, T replaced by C.
Protein change: p.Phe109Leu; replaces phenylalanine 109 with leucine.
Molecular consequence: missense variant. On other transcripts: 5 prime UTR variant (4), non-coding transcript variant (1).
Genome position (GRCh38, 1-based): chr9:95,506,476, A>G on the plus strand (T>C on the coding strand, the complement: PTCH1 is on the minus strand). VCF-style: chr9-95506476-A-G. GRCh37 (hg19) VCF-style: chr9-98268758-A-G.
Other names: c.-129T>C (NM_001083605.3, NM_001083606.3, NM_001083607.3 and 1 more transcripts); c.325T>C, p.Phe109Leu (NM_001354918.2); c.127T>C, p.Phe43Leu (NM_001354919.2, NM_001083602.3); c.322T>C, p.Phe108Leu (NM_001083603.3); short protein forms F108L, F109L, F43L.
Identifiers: ClinVar variation 1022252 (VCV001022252.11), dbSNP rs1843655328, ClinGen allele CA374120275.